The following is an entry in ClinVar:

NM_003001.5(SDHC):c.60T>C (p.Pro20=)

Gene: SDHC (succinate dehydrogenase complex subunit C; plus strand). Cytogenetic location: 1q23.3.
Variant type: single nucleotide variant.
Coding change: c.60T>C on transcript NM_003001.5 (MANE Select); coding-DNA position 60, T replaced by C.
Protein change: p.Pro20=; no amino-acid change (proline 20 retained).
Molecular consequence: synonymous variant. On other transcripts: 5 prime UTR variant (2), non-coding transcript variant (1), intron variant (4).
Genome position (GRCh38, 1-based): chr1:161,323,653, T>C. VCF-style: chr1-161323653-T-C. GRCh37 (hg19) VCF-style: chr1-161293443-T-C.
Other names: c.60T>C, p.Pro20= (NM_001035511.3, NM_001035512.3, NM_001278172.3 and 2 more transcripts); c.-52T>C (NM_001407119.1); c.-170T>C (NM_001407120.1); c.21-4743T>C (NM_001407116.1, NM_001407121.1, NM_001407117.1); c.20+9228T>C (NM_001035513.3).
Identifiers: ClinVar variation 3904635 (VCV003904635.2).

ClinVar aggregate classification (germline): Benign/Likely benign. Review status: criteria provided, multiple submitters, no conflicts (2 of 4 stars). 2 submissions from 2 submitters: Benign (1); Likely benign (1). Last evaluated 2025-12-05.

Conditions:
Pheochromocytoma/paraganglioma syndrome 3. Also called: GLOMUS TUMORS, FAMILIAL, 3; Paragangliomas 3; SDHC-Related Hereditary Paraganglioma-Pheochromocytoma Syndrome (Paragangliomas 3); SDHC-Related Hereditary Paraganglioma-Pheochromocytoma Syndrome. Identifiers: Orphanet 29072, MedGen C1854336, MONDO:0011544, OMIM 605373.
Hereditary cancer-predisposing syndrome. Also called: Tumor predisposition; Neoplastic Syndromes, Hereditary; Hereditary neoplastic syndrome; Hereditary Cancer Syndrome. Identifiers: Orphanet 140162, MedGen C0027672, MeSH D009386, MONDO:0015356.

gnomAD v4.1: 1 of 1,612,402 alleles (0.000062%); no homozygotes.

Submissions (2):

Ambry Genetics
Classification: Likely benign for Hereditary cancer-predisposing syndrome. Last evaluated: 2025-12-05. Review status: criteria provided, single submitter. Criteria: Ambry Variant Classification Scheme 2023. Collection method: clinical testing. Allele origin: germline.

Myriad Genetics, Inc.
Classification: Benign for Pheochromocytoma/paraganglioma syndrome 3. Last evaluated: 2025-03-14. Review status: criteria provided, single submitter. Criteria: Myriad Autosomal Dominant, Autosomal Recessive and X-Linked Classification Criteria (2023). Collection method: clinical testing. Allele origin: unknown.
Comment: This variant is considered benign. This variant is a silent/synonymous amino acid change and it is not expected to impact splicing.